The following is an entry in ClinVar:

ClinVar aggregate classification (germline): Uncertain significance (1 of 4 stars; one submission).

Allele frequency attached by ClinVar (database versions not stated): gnomAD exomes below 0.00001; gnomAD 0.00001; TOPMed 0.00002.
gnomAD v4.1: 2 of 1,612,350 alleles (0.00012%); highest among the groups gnomAD compares: African/African-American, 0.0027%; no homozygotes.

Submission:

Laboratory for Molecular Medicine, Mass General Brigham Personalized Medicine
Classification: Uncertain significance. Last evaluated: 2014-11-17. Review status: criteria provided, single submitter. Criteria: LMM Criteria. Collection method: clinical testing. Allele origin: germline. Observed: 1 variant allele.
Comment: The p.Leu14826Pro variant in TTN has not been previously reported in individuals with cardiomyopathy or in large population studies. Computational prediction to ols and conservation analysis suggest that the p.Leu14826Pro variant may impact the protein, though this information is not predictive enough to determine patho genicity. In summary, the clinical significance of the p.Leu14826Pro variant is uncertain.

NM_001267550.2(TTN):c.52181T>C (p.Leu17394Pro)

Genes: TTN (titin; minus strand), TTN-AS1 (TTN antisense RNA 1; plus strand). Cytogenetic location: 2q31.2.
Variant type: single nucleotide variant.
Coding change: c.52181T>C on transcript NM_001267550.2 (MANE Select); coding-DNA position 52181, T replaced by C.
Protein change: p.Leu17394Pro; replaces leucine 17394 with proline.
Molecular consequence: missense variant.
Genome position (GRCh38, 1-based): chr2:178,608,830, A>G on the plus strand (T>C on the coding strand, the complement: TTN is on the minus strand). VCF-style: chr2-178608830-A-G. GRCh37 (hg19) VCF-style: chr2-179473557-A-G.
Other names: c.44477T>C, p.Leu14826Pro (NM_133378.4); c.47258T>C, p.Leu15753Pro (NM_001256850.1); c.24986T>C, p.Leu8329Pro (NM_003319.4); c.25361T>C, p.Leu8454Pro (NM_133432.3); c.25562T>C, p.Leu8521Pro (NM_133437.4); short protein forms L14826P, L17394P, L15753P, L8329P, L8521P, L8454P.
Identifiers: ClinVar variation 165997 (VCV000165997.5), dbSNP rs727503616, ClinGen allele CA178788.